The following is an entry in ClinVar:

NM_030962.4(SBF2):c.3082A>G (p.Lys1028Glu)

Genes: SBF2 (SET binding factor 2; minus strand), LOC101928008 (uncharacterized LOC101928008; plus strand). Cytogenetic location: 11p15.4.
Variant type: single nucleotide variant.
Coding change: c.3082A>G on transcript NM_030962.4 (MANE Select); coding-DNA position 3082, A replaced by G.
Protein change: p.Lys1028Glu; replaces lysine 1028 with glutamic acid.
Molecular consequence: missense variant.
Genome position (GRCh38, 1-based): chr11:9,845,593, T>C on the plus strand (A>G on the coding strand, the complement: SBF2 is on the minus strand). VCF-style: chr11-9845593-T-C. GRCh37 (hg19) VCF-style: chr11-9867140-T-C.
Other names: c.3082A>G, p.Lys1028Glu (NM_001386339.1); c.2953A>G, p.Lys985Glu (NM_001386342.1); short protein forms K1028E, K985E.
Identifiers: ClinVar variation 953723 (VCV000953723.9), dbSNP rs929108873, ClinGen allele CA379632362.

ClinVar aggregate classification (germline): Uncertain significance. Review status: criteria provided, multiple submitters, no conflicts (2 of 4 stars). 2 submissions from 2 submitters: Uncertain significance (2). Last evaluated 2023-12-21.

Conditions:
Inborn genetic diseases. Identifiers: MedGen C0950123, MeSH D030342.
Charcot-Marie-Tooth disease type 4. Also called: Charcot-Marie-Tooth, Type 4; Charcot-Marie-Tooth disease, type IV. Identifiers: Orphanet 64749, MedGen C4082197, MONDO:0018995.

Allele frequency attached by ClinVar (database versions not stated): gnomAD exomes below 0.00001 and 0.00001; gnomAD 0.00001; TOPMed 0.00001.
gnomAD v4.1: 12 of 1,613,768 alleles (0.00074%); highest among the groups gnomAD compares: African/African-American, 0.0013%; no homozygotes.

Submissions (2):

Labcorp Genetics (formerly Invitae), Labcorp
Classification: Uncertain significance for Charcot-Marie-Tooth disease type 4. Last evaluated: 2023-12-21. Review status: criteria provided, single submitter. Criteria: Invitae Variant Classification Sherloc (09022015). Collection method: clinical testing. Allele origin: germline.
Comment: This sequence change replaces lysine, which is basic and polar, with glutamic acid, which is acidic and polar, at codon 1028 of the SBF2 protein (p.Lys1028Glu). This variant is present in population databases (no rsID available, gnomAD 0.004%). This variant has not been reported in the literature in individuals affected with SBF2-related conditions. ClinVar contains an entry for this variant (Variation ID: 953723). Advanced modeling of protein sequence and biophysical properties (such as structural, functional, and spatial information, amino acid conservation, physicochemical variation, residue mobility, and thermodynamic stability) has been performed at Invitae for this missense variant, however the output from this modeling did not meet the statistical confidence thresholds required to predict the impact of this variant on SBF2 protein function. In summary, the available evidence is currently insufficient to determine the role of this variant in disease. Therefore, it has been classified as a Variant of Uncertain Significance.

Ambry Genetics
Classification: Uncertain significance for Inborn genetic diseases. Last evaluated: 2020-10-19. Review status: criteria provided, single submitter. Criteria: Ambry Variant Classification Scheme 2023. Collection method: clinical testing. Allele origin: germline.
Comment: The p.K1028E variant (also known as c.3082A>G), located in coding exon 24 of the SBF2 gene, results from an A to G substitution at nucleotide position 3082. The lysine at codon 1028 is replaced by glutamic acid, an amino acid with similar properties. This amino acid position is highly conserved in available vertebrate species. In addition, this alteration is predicted to be deleterious by in silico analysis. Since supporting evidence is limited at this time, the clinical significance of this alteration remains unclear.